The following is an entry in ClinVar:

ClinVar aggregate classification (germline): Likely pathogenic. Review status: reviewed by expert panel (3 of 4 stars). 12 submissions from 12 submitters: Likely pathogenic (1). 11 of the submissions do not count toward it. Last evaluated 2024-01-10.

Conditions:
Severe combined immunodeficiency disease. Also called: Severe combined immunodeficiency; Severe Combined Immune Deficiency. Identifiers: Orphanet 183660, MedGen C0085110, MeSH D016511, MONDO:0015974, HP:0004430. Inheritance: X-Linked or Autosomal recessive.
Severe combined immunodeficiency, autosomal recessive, T cell-negative, B cell-negative, NK cell-negative, due to adenosine deaminase deficiency. Also called: ADA-SCID; Adenosine Deaminase Deficiency; SCID DUE TO ADA DEFICIENCY; SCID DUE TO ADA DEFICIENCY, EARLY-ONSET; ADA deficiency; Adenosine deaminase deficient severe combined immunodeficiency. Identifiers: Orphanet 277, MedGen C0392607, MONDO:0007064, OMIM 102700.
Partial adenosine deaminase deficiency. Also called: PARTIAL ADA DEFICIENCY. Identifiers: MedGen C1863239.

Allele frequency attached by ClinVar (database versions not stated): gnomAD 0.00001; gnomAD exomes 0.00003 and 0.00013; TOPMed 0.00003; ExAC 0.00011.

Submissions 1 to 8 of 12:

ClinGen Severe Combined Immunodeficiency Variant Curation Expert Panel, ClinGen
Classification: Likely pathogenic for Severe combined immunodeficiency, autosomal recessive, T cell-negative, B cell-negative, NK cell-negative, due to adenosine deaminase deficiency. Last evaluated: 2024-01-10. Review status: reviewed by expert panel. Criteria: ClinGen SCID ACMG Specifications ADA V1.0.0. Collection method: curation. Allele origin: germline. Inheritance: Autosomal recessive inheritance.
Comment: NM_000022.4:c.631C>T is a missense variant predicted to cause substitution of Arginine by Cysteine at amino acid 211 (p. Arg211Cys). The highest population minor allele frequency in gnomAD v4 is 0.0005167 (31/60000) in Admixed American population (PM2_Supporting, BS1, and BA1 are not met). The variant has been reported to segregate with SCID in 2 affected family members from 1 family (PP1_moderate; PMID :8051429). Patient was found heterozygous for R211C & L107P which is classified as likely pathogenic by SCID VCEP (1 pt.) (PM3) (PMID: 2166947).Another missense variant [c.632G>A, p.Arg211His)] in the same codon has been classified as pathogenic for SCID by the ClinGen SCID VCEP (PM5). In summary, this variant meets the criteria to be classified as a Likely Pathogenic variant for autosomal recessive severe combined immunodeficiency due to ADA deficiency based on the ACMG/AMP criteria applied, as specified by the ClinGen SCID VCEP: PP1_moderate,PM3,PM5(VCEP specifications version 1).

Labcorp Genetics (formerly Invitae), Labcorp
Classification: Pathogenic for Severe combined immunodeficiency, autosomal recessive, T cell-negative, B cell-negative, NK cell-negative, due to adenosine deaminase deficiency. Last evaluated: 2026-01-29. Review status: criteria provided, single submitter. Criteria: Invitae Variant Classification Sherloc (09022015). Collection method: clinical testing. Allele origin: germline. Not counted in ClinVar's aggregate classification.
Comment: This sequence change replaces arginine, which is basic and polar, with cysteine, which is neutral and slightly polar, at codon 211 of the ADA protein (p.Arg211Cys). This variant is present in population databases (rs121908740, gnomAD 0.07%). This missense change has been observed in individual(s) with adenosine deaminase deficiency (PMID: 2166947, 8051429, 9616253). In at least one individual the data is consistent with being in trans (on the opposite chromosome) from a pathogenic variant. It has also been observed to segregate with disease in related individuals. ClinVar contains an entry for this variant (Variation ID: 1966). Invitae Evidence Modeling of protein sequence and biophysical properties (such as structural, functional, and spatial information, amino acid conservation, physicochemical variation, residue mobility, and thermodynamic stability) indicates that this missense variant is not expected to disrupt ADA protein function with a negative predictive value of 80%. Experimental studies have shown that this missense change affects ADA function (PMID: 9361033, 9758612). This variant disrupts the p.Arg211 amino acid residue in ADA. Other variant(s) that disrupt this residue have been determined to be pathogenic (PMID: 1974554, 9414266, 9758612, 26376800). This suggests that this residue is clinically significant, and that variants that disrupt this residue are likely to be disease-causing. For these reasons, this variant has been classified as Pathogenic.

Natera, Inc.
Classification: Likely pathogenic for Severe combined immunodeficiency due to ADA deficiency. Last evaluated: 2025-07-10. Review status: criteria provided, single submitter. Criteria: Natera Variant Classification Schema (03/2026). Collection method: clinical testing. Allele origin: germline. Not counted in ClinVar's aggregate classification.
Comment: The c.631C>T variant in ADA is a missense variant predicted to cause substitution of arginine to cysteine at amino acid 211. This variant is rare in the general population with a frequency below the threshold expected for the associated phenotype(s). This variant has been observed in one or more individuals affected with the associated recessive disease, as either homozygous or compound heterozygous with a second variant (PMID: 33951760, 2166947, 8051429). Additionally, this variant has been observed to segregate in affected family members (PMID: 8051429). Functional studies show that this variant may disrupt protein function (PMID: 9361033). A different variant at the same position has been determined to be Pathogenic or Likely Pathogenic. Computational prediction algorithms indicate this variant is likely to affect gene or protein function. Given the available evidence, this variant is classified as Likely Pathogenic.

Women's Health and Genetics/Laboratory Corporation of America, LabCorp
Classification: Pathogenic for Severe combined immunodeficiency disease. Last evaluated: 2025-05-06. Review status: criteria provided, single submitter. Criteria: LabCorp Variant Classification Summary - May 2015. Collection method: clinical testing. Allele origin: germline. Not counted in ClinVar's aggregate classification.
Comment: Variant summary: ADA c.631C>T (p.Arg211Cys) results in a non-conservative amino acid change located in the adenosine deaminase domain (IPR001365) of the encoded protein sequence. Algorithms developed to predict the effect of missense changes on protein structure and function all suggest that this variant is likely to be disruptive. The variant allele was found at a frequency of 0.00013 in 251340 control chromosomes, predominantly at a frequency of 0.00069 within the Latino subpopulation in the gnomAD database. This frequency is not significantly higher than estimated for a pathogenic variant in ADA causing Severe Combined Immunodeficiency (0.00013 vs 0.0014), allowing no conclusion about variant significance. c.631C>T has been reported in the literature as a compound heterozygous genotype in an individual with partial ADA deficiency, detected as 8% ADA activity in lymphoid cells, and in two siblings affected with late onset severe combined immunodeficiency with ADA deficiency, where the variant segregated with disease in the family (e.g., Hirschhorn_1990, Shovlin_1994). It was also found in a homozygous SCID case identified during newborn screening (Ricci_2024). These data indicate that the variant is likely to be associated with disease. A different variant affecting the same codon has been classified as likely pathogenic/pathogenic by our lab (c.632G>A, p.Arg211His), supporting the critical relevance of codon 211 to ADA protein function. Several publications report evidence evaluating an impact on protein function (e.g., Hirschhorn_1990, Jiang_1997, Arredondo-Vega_1998), and experiments expressing the variant in an in vitro model system found that the variant results in <5% of normal activity. The following publications have been ascertained in the context of this evaluation (PMID: 9758612, 8051429, 2166947, 9361033, 38636590). ClinVar contains an entry for this variant (Variation ID: 1966). Based on the evidence outlined above, the variant was classified as pathogenic.

Institute of Medical Genetics and Applied Genomics, University Hospital Tübingen
Classification: Likely pathogenic for Severe combined immunodeficiency, autosomal recessive, T cell-negative, B cell-negative, NK cell-negative, due to adenosine deaminase deficiency. Last evaluated: 2025-03-25. Review status: criteria provided, single submitter. Criteria: ACMG Guidelines, 2015. Collection method: clinical testing. Allele origin: germline. Inheritance: Autosomal recessive inheritance. Affected: yes. Not counted in ClinVar's aggregate classification.

Baylor Genetics
Classification: Likely pathogenic for Severe combined immunodeficiency, autosomal recessive, T cell-negative, B cell-negative, NK cell-negative, due to adenosine deaminase deficiency. Last evaluated: 2024-03-25. Review status: criteria provided, single submitter. Criteria: ACMG Guidelines, 2015. Collection method: clinical testing. Allele origin: unknown. Not counted in ClinVar's aggregate classification.

Laboratory of Medical Genetics, National & Kapodistrian University of Athens
Classification: Pathogenic for Severe combined immunodeficiency, autosomal recessive, T cell-negative, B cell-negative, NK cell-negative, due to adenosine deaminase deficiency. Last evaluated: 2024-02-01. Review status: criteria provided, single submitter. Criteria: ACMG Guidelines, 2015. Collection method: curation. Allele origin: germline. Affected: no. Not counted in ClinVar's aggregate classification.

Genome-Nilou Lab
Classification: Likely pathogenic for Severe combined immunodeficiency, autosomal recessive, T cell-negative, B cell-negative, NK cell-negative, due to adenosine deaminase deficiency. Last evaluated: 2021-08-10. Review status: criteria provided, single submitter. Criteria: ACMG Guidelines, 2015. Collection method: clinical testing. Allele origin: germline. Affected: no. Not counted in ClinVar's aggregate classification.

NM_000022.4(ADA):c.631C>T (p.Arg211Cys)

Genes: ADA (adenosine deaminase; minus strand), PKIG (cAMP-dependent protein kinase inhibitor gamma; plus strand). Cytogenetic location: 20q13.12.
Variant type: single nucleotide variant.
Coding change: c.631C>T on transcript NM_000022.4 (MANE Select); coding-DNA position 631, C replaced by T.
Protein change: p.Arg211Cys; replaces arginine 211 with cysteine.
Molecular consequence: missense variant. On other transcripts: non-coding transcript variant (1), intron variant (1).
Genome position (GRCh38, 1-based): chr20:44,623,054, G>A on the plus strand (C>T on the coding strand, the complement: ADA is on the minus strand). VCF-style: chr20-44623054-G-A. GRCh37 (hg19) VCF-style: chr20-43251695-G-A.
Other names: NM_000022.4(ADA):c.631C>T; c.631C>T (NM_000022.3); c.226C>T, p.Arg76Cys (NM_001322050.2); c.607-124C>T (NM_001322051.2); short protein forms R211C, R76C.
Identifiers: ClinVar variation 1966 (VCV000001966.25), dbSNP rs121908740, ClinGen allele CA115285.